The following is an entry in ClinVar:

ClinVar aggregate classification (germline): Pathogenic. Review status: criteria provided, multiple submitters, no conflicts (2 of 4 stars). 2 submissions from 2 submitters: Pathogenic (2). Last evaluated 2025-02-11.

Conditions:
X-linked Alport syndrome (ATS1). Also called: COL4A5-Related Nephropathy; NEPHROPATHY AND DEAFNESS, X-LINKED. Identifiers: Orphanet 63, Orphanet 88917, MedGen C4746986, MONDO:0010520, OMIM 301050.

Submissions (2):

3billion
Classification: Pathogenic for X-linked Alport syndrome. Last evaluated: 2025-02-11. Review status: criteria provided, single submitter. Criteria: ACMG Guidelines, 2015. Collection method: clinical testing. Allele origin: germline. Affected: yes.
Comment: The variant is not observed in the gnomAD v4.1.0 dataset. Predicted Consequence/Location: Canonical splice site: predicted to alter splicing and result in a loss or disruption of normal protein function. Multiple pathogenic loss-of-function variants are reported downstream of the variant. In silico tools predict the variant to alter splicing and produce an abnormal transcript [SpliceAI: 0.96 (spliceogenicity >=0.2, non-spliceogenicity <0.1)]. The variant has been reported to be associated with COL4A5-related disorder (PMID: 10684360). Therefore, this variant is classified as Pathogenic according to the recommendation of ACMG/AMP guideline.

Labcorp Genetics (formerly Invitae), Labcorp
Classification: Pathogenic. Last evaluated: 2024-10-17. Review status: criteria provided, single submitter. Criteria: Invitae Variant Classification Sherloc (09022015). Collection method: clinical testing. Allele origin: germline.
Comment: This sequence change affects a donor splice site in intron 28 of the COL4A5 gene. It is expected to disrupt RNA splicing. Variants that disrupt the donor or acceptor splice site typically lead to a loss of protein function (PMID: 16199547), and loss-of-function variants in COL4A5 are known to be pathogenic (PMID: 9195222, 10752524, 14514738, 24854265, 26809805). This variant is not present in population databases (gnomAD no frequency). Disruption of this splice site has been observed in individuals with Alport syndrome (PMID: 10684360, 37100867). This variant is also known as IVS28+1G>A. Algorithms developed to predict the effect of sequence changes on RNA splicing suggest that this variant may disrupt the consensus splice site. For these reasons, this variant has been classified as Pathogenic.

Literature cited by the submitters: PubMed 10684360 (cited by 3billion and Labcorp Genetics (formerly Invitae), Labcorp); PubMed 16199547 (cited by Labcorp Genetics (formerly Invitae), Labcorp); PubMed 9195222 (cited by Labcorp Genetics (formerly Invitae), Labcorp); PubMed 10752524 (cited by Labcorp Genetics (formerly Invitae), Labcorp); PubMed 14514738 (cited by Labcorp Genetics (formerly Invitae), Labcorp); PubMed 24854265 (cited by Labcorp Genetics (formerly Invitae), Labcorp); PubMed 26809805 (cited by Labcorp Genetics (formerly Invitae), Labcorp); PubMed 37100867 (cited by Labcorp Genetics (formerly Invitae), Labcorp).

NM_033380.3(COL4A5):c.2244+1G>A

Gene: COL4A5 (collagen type IV alpha 5 chain; plus strand). Cytogenetic location: Xq22.3.
Variant type: single nucleotide variant.
Coding change: c.2244+1G>A on transcript NM_033380.3 (MANE Select); the canonical splice donor site of the intron after coding-DNA position 2244, G replaced by A.
Molecular consequence: splice donor variant.
Genome position (GRCh38, 1-based): chrX:108,603,062, G>A. VCF-style: chrX-108603062-G-A. GRCh37 (hg19) VCF-style: chrX-107846292-G-A.
Other names: c.2244+1G>A (NM_000495.5).
Identifiers: ClinVar variation 3724391 (VCV003724391.3).
Genomic context (GRCh38, chrX:108,603,062, plus strand): 5'-ACACCTGGAAGAATTGGTCTAGAAGGCCCTCCTGGGCCACCCGGCTTTCCAGGACCAAAG[G>A]TCTGGGACATTTTTCTTTATTCCTTCTCATTTTCTTATCTTTCCCACCTTCCTTATTTCT-3'